The following is an entry in ClinVar:

ClinVar aggregate classification (germline): Uncertain significance. Review status: criteria provided, multiple submitters, no conflicts (2 of 4 stars). 3 submissions from 3 submitters: Uncertain significance (3). Last evaluated 2024-12-20.

Conditions:
DDX41-related hematologic malignancy predisposition syndrome. Also called: Myeloproliferative/lymphoproliferative neoplasms, familial (multiple types), susceptibility to; DDX41-Associated Familial Myelodysplastic Syndrome and Acute Myeloid Leukemia. Identifiers: Orphanet 488647, MedGen C4225174, MONDO:0014809, OMIM 616871.
Inborn genetic diseases. Identifiers: MedGen C0950123, MeSH D030342.

Allele frequency attached by ClinVar (database versions not stated): gnomAD 0.00001; gnomAD exomes 0.00001.
gnomAD v4.1: 5 of 1,613,832 alleles (0.00031%); highest among the groups gnomAD compares: Non-Finnish European, 0.00042%; no homozygotes.

Submissions (3):

Ambry Genetics
Classification: Uncertain significance for Inborn genetic diseases. Last evaluated: 2024-12-20. Review status: criteria provided, single submitter. Criteria: Ambry Variant Classification Scheme 2023. Collection method: clinical testing. Allele origin: germline.
Comment: The c.198C>A variant (also known as p.S66R), located in coding exon 3 of the DDX41 gene, results from a C to A substitution at nucleotide position 198. The serine at codon 66 is replaced by arginine, an amino acid with dissimilar properties. This variant was reported in individual(s) with features consistent with DDX41-related hematologic malignancy predisposition syndrome however germline status was not confirmed (Maierhofer A et al. Blood Adv, 2023 Dec;7:7346-7357). This nucleotide position is not well conserved in available vertebrate species. In silico splice site analysis predicts that this alteration will result in the creation or strengthening of a novel splice donor site; however, direct evidence is insufficient at this time (Ambry internal data). This amino acid position is highly conserved in available vertebrate species. In addition, as a missense substitution this is predicted to be tolerated by in silico analysis. Based on the available evidence, the clinical significance of this variant remains unclear.

Baylor Genetics
Classification: Uncertain significance for DDX41-related hematologic malignancy predisposition syndrome. Last evaluated: 2023-06-02. Review status: criteria provided, single submitter. Criteria: ACMG Guidelines, 2015. Collection method: clinical testing. Allele origin: unknown.

Genetic Services Laboratory, University of Chicago
Classification: Uncertain significance. Last evaluated: 2018-04-05. Review status: criteria provided, single submitter. Criteria: ACMG Guidelines, 2015. Collection method: clinical testing. Allele origin: germline. Affected: no.

Literature cited by the submitters: PubMed 37874914 (cited by Ambry Genetics).

NM_016222.4(DDX41):c.198C>A (p.Ser66Arg)

Gene: DDX41 (DEAD-box helicase 41; minus strand). Cytogenetic location: 5q35.3.
Variant type: single nucleotide variant.
Coding change: c.198C>A on transcript NM_016222.4 (MANE Select); coding-DNA position 198, C replaced by A.
Protein change: p.Ser66Arg; replaces serine 66 with arginine.
Molecular consequence: missense variant. On other transcripts: 5 prime UTR variant (2).
Genome position (GRCh38, 1-based): chr5:177,516,388, G>T on the plus strand (C>A on the coding strand, the complement: DDX41 is on the minus strand). VCF-style: chr5-177516388-G-T. GRCh37 (hg19) VCF-style: chr5-176943389-G-T.
Other names: c.-181C>A (NM_001321732.2, NM_001321830.2); short protein forms S66R.
Identifiers: ClinVar variation 1336615 (VCV001336615.6), dbSNP rs1231474960, ClinGen allele CA362377329.